The following is an entry in ClinVar:

ClinVar aggregate classification (germline): Uncertain significance (1 of 4 stars; one submission).

Allele frequency attached by ClinVar (database versions not stated): gnomAD exomes below 0.00001 and 0.00001; TOPMed below 0.00001; ExAC 0.00001; gnomAD 0.00001.
gnomAD v4.1: 5 of 1,611,756 alleles (0.00031%); highest among the groups gnomAD compares: Admixed American, 0.0033%; no homozygotes.

Submission:

Labcorp Genetics (formerly Invitae), Labcorp
Classification: Uncertain significance. Last evaluated: 2019-07-01. Review status: criteria provided, single submitter. Criteria: Invitae Variant Classification Sherloc (09022015). Collection method: clinical testing. Allele origin: germline.
Comment: This variant has not been reported in the literature in individuals with FAM134B-related disease. This sequence change results in a premature translational stop signal in the FAM134B gene (p.Arg337*). While this is not anticipated to result in nonsense mediated decay, it is expected to delete the last 161 amino acids of the FAM134B protein. This variant is present in population databases (rs750575538, ExAC 0.002%). In summary, the available evidence is currently insufficient to determine the role of this variant in disease. Therefore, it has been classified as a Variant of Uncertain Significance.

NM_001034850.3(RETREG1):c.1009C>T (p.Arg337Ter)

Gene: RETREG1 (reticulophagy regulator 1; minus strand). Cytogenetic location: 5p15.1.
Variant type: single nucleotide variant.
Coding change: c.1009C>T on transcript NM_001034850.3 (MANE Select); coding-DNA position 1009, C replaced by T.
Protein change: p.Arg337Ter; replaces arginine 337 with a stop codon.
Molecular consequence: nonsense.
Genome position (GRCh38, 1-based): chr5:16,475,226, G>A on the plus strand (C>T on the coding strand, the complement: RETREG1 is on the minus strand). VCF-style: chr5-16475226-G-A. GRCh37 (hg19) VCF-style: chr5-16475335-G-A.
Other names: c.586C>T, p.Arg196Ter (NM_019000.5); short protein forms R337*, R196*.
Identifiers: ClinVar variation 570577 (VCV000570577.8), dbSNP rs750575538, ClinGen allele CA3210255.